The following is an entry in ClinVar:

ClinVar aggregate classification (germline): Uncertain significance (1 of 4 stars; one submission).

Allele frequency attached by ClinVar (database versions not stated): gnomAD 0.00001.
gnomAD v4.1: 2 of 1,517,832 alleles (0.00013%); highest among the groups gnomAD compares: Non-Finnish European, 0.00018%; no homozygotes.

Submission:

Labcorp Genetics (formerly Invitae), Labcorp
Classification: Uncertain significance. Last evaluated: 2022-04-09. Review status: criteria provided, single submitter. Criteria: Invitae Variant Classification Sherloc (09022015). Collection method: clinical testing. Allele origin: germline.
Comment: This sequence change replaces proline, which is neutral and non-polar, with serine, which is neutral and polar, at codon 1478 of the LTBP4 protein (p.Pro1478Ser). This variant is present in population databases (no rsID available, gnomAD 0.007%). This variant has not been reported in the literature in individuals affected with LTBP4-related conditions. Experimental studies and prediction algorithms are not available or were not evaluated, and the functional significance of this variant is currently unknown. In summary, the available evidence is currently insufficient to determine the role of this variant in disease. Therefore, it has been classified as a Variant of Uncertain Significance.

NM_001042545.2(LTBP4):c.4342C>T (p.Pro1448Ser)

Gene: LTBP4 (latent transforming growth factor beta binding protein 4; plus strand). Cytogenetic location: 19q13.2.
Variant type: single nucleotide variant.
Coding change: c.4342C>T on transcript NM_001042545.2 (MANE Select); coding-DNA position 4342, C replaced by T.
Protein change: p.Pro1448Ser; replaces proline 1448 with serine.
Molecular consequence: missense variant.
Genome position (GRCh38, 1-based): chr19:40,627,331, C>T. VCF-style: chr19-40627331-C-T. GRCh37 (hg19) VCF-style: chr19-41133236-C-T.
Other names: c.4543C>T, p.Pro1515Ser (NM_001042544.1); c.4432C>T, p.Pro1478Ser (NM_003573.2); short protein forms P1478S, P1515S, P1448S.
Identifiers: ClinVar variation 1966985 (VCV001966985.2), dbSNP rs1362083628, ClinGen allele CA405911745.